The following is an entry in ClinVar:

NM_007194.4(CHEK2):c.1475_1477del (p.Lys492del)

Gene: CHEK2 (checkpoint kinase 2; minus strand). Cytogenetic location: 22q12.1.
Variant type: Deletion.
Coding change: c.1475_1477del on transcript NM_007194.4 (MANE Select); coding-DNA positions 1475 to 1477, 3 bases deleted (AGA; older notation c.1475_1477delAGA).
Protein change: p.Lys492del; deletes lysine 492.
Molecular consequence: inframe deletion. On other transcripts: inframe indel (4).
Genome position (GRCh38, 1-based): chr22:28,689,200-28,689,202, TCT deleted on the plus strand (AGA on the coding strand, the reverse complement: CHEK2 is on the minus strand); deleting any 3 consecutive bases within chr22:28,689,200-28,689,204 gives the same sequence; the c. name uses the placement nearest the transcript's 3' end. VCF-style (leftmost placement, unchanged base first): chr22-28689199-CTCT-C. GRCh37 (hg19) VCF-style: chr22-29085187-CTCT-C.
Other names: c.1475_1477del (NM_007194.3); c.1602_1604delGAA, p.Lys535del (NM_001005735.3); c.810_812delGAA, p.Lys271del (NM_001257387.3); c.1272_1274delGAA, p.Lys425del (NM_001349956.3); c.1386_1388delGAA, p.Lys463del (NM_145862.3); short protein forms K492del, K271del, K425del, K463del, K535del.
Identifiers: ClinVar variation 479565 (VCV000479565.8), dbSNP rs1555912075, ClinGen allele CA658656814.
Genomic context (GRCh38, chr22:28,689,199, plus strand): 5'-GCTAGAACCTGGGGTAGAGCTGTGGATTCATTTTCCTCAGACAGAAGATCTTGAAACTTT[CTCT>C]TCATGTCTTCATCCTGTGAGGGAATTAAAAACATAAGTAGCTGTGTCTGAAGGATAATAA-3'

ClinVar aggregate classification (germline): Uncertain significance. Review status: criteria provided, multiple submitters, no conflicts (2 of 4 stars). 2 submissions from 2 submitters: Uncertain significance (2). Last evaluated 2023-11-21.

Conditions:
Hereditary cancer-predisposing syndrome. Also called: Hereditary Cancer Syndrome; Neoplastic Syndromes, Hereditary; Tumor predisposition; Hereditary neoplastic syndrome. Identifiers: Orphanet 140162, MedGen C0027672, MeSH D009386, MONDO:0015356.

Submissions (2):

Ambry Genetics
Classification: Uncertain significance for Hereditary cancer-predisposing syndrome. Last evaluated: 2023-11-21. Review status: criteria provided, single submitter. Criteria: Ambry Variant Classification Scheme 2023. Collection method: clinical testing. Allele origin: germline.
Comment: The c.1475_1477delAGA variant (also known as p.K492del) is located in coding exon 13 of the CHEK2 gene. This variant results from an in-frame AGA deletion at nucleotide positions 1475 to 1477. This results in the in-frame deletion of a lysine at codon 492. This nucleotide region is well conserved in available vertebrate species. In addition, this alteration is predicted to be deleterious by in silico analysis (Choi Y et al. PLoS ONE. 2012; 7(10):e46688). Since supporting evidence is limited at this time, the clinical significance of this alteration remains unclear.

Color Diagnostics, LLC DBA Color Health
Classification: Uncertain significance for Hereditary cancer-predisposing syndrome. Last evaluated: 2020-03-04. Review status: criteria provided, single submitter. Criteria: ACMG Guidelines, 2015. Collection method: clinical testing. Allele origin: germline.
Comment: This variant causes an in-frame deletion of one amino acid in exon 14 of the CHEK2 protein. Splice site prediction tools suggest that this variant may not impact RNA splicing. To our knowledge, functional studies have not been reported for this variant. This variant has not been reported in individuals affected with hereditary cancer in the literature. This variant has not been identified in the general population by the Genome Aggregation Database (gnomAD). The available evidence is insufficient to determine the role of this variant in disease conclusively. Therefore, this variant is classified as a Variant of Uncertain Significance.